The following is an entry in ClinVar:

ClinVar aggregate classification (germline): Uncertain significance (1 of 4 stars; one submission).

Submission:

CeGaT Center for Human Genetics Tuebingen
Classification: Uncertain significance. Last evaluated: 2025-06-01. Review status: criteria provided, single submitter. Criteria: CeGaT Center For Human Genetics Tuebingen Variant Classification Criteria Version 2. Collection method: clinical testing. Allele origin: germline. Affected: yes. Observed: 1 variant allele.
Comment: SLC5A1: PM2, PP2, PP3

NM_000343.4(SLC5A1):c.481G>A (p.Asp161Asn)

Gene: SLC5A1 (solute carrier family 5 member 1; plus strand). Cytogenetic location: 22q12.3.
Variant type: single nucleotide variant.
Coding change: c.481G>A on transcript NM_000343.4 (MANE Select); coding-DNA position 481, G replaced by A.
Protein change: p.Asp161Asn; replaces aspartic acid 161 with asparagine.
Molecular consequence: missense variant.
Genome position (GRCh38, 1-based): chr22:32,081,869, G>A. VCF-style: chr22-32081869-G-A. GRCh37 (hg19) VCF-style: chr22-32477856-G-A.
Other names: c.100G>A, p.Asp34Asn (NM_001256314.2); short protein forms D161N, D34N.
Identifiers: ClinVar variation 3906052 (VCV003906052.10).